The following is an entry in ClinVar:

NM_004608.4(TBX6):c.1020G>T (p.Leu340=)

Gene: TBX6 (T-box transcription factor 6; minus strand). Cytogenetic location: 16p11.2.
Variant type: single nucleotide variant.
Coding change: c.1020G>T on transcript NM_004608.4 (MANE Select); coding-DNA position 1020, G replaced by T.
Protein change: p.Leu340=; no amino-acid change (leucine 340 retained).
Molecular consequence: synonymous variant.
Genome position (GRCh38, 1-based): chr16:30,086,589, C>A on the plus strand (G>T on the coding strand, the complement: TBX6 is on the minus strand). VCF-style: chr16-30086589-C-A. GRCh37 (hg19) VCF-style: chr16-30097910-C-A.
Identifiers: ClinVar variation 1590194 (VCV001590194.23), dbSNP rs377659260, ClinGen allele CA8001699.

ClinVar aggregate classification (germline): Likely benign. Review status: criteria provided, multiple submitters, no conflicts (2 of 4 stars). 3 submissions from 3 submitters: Likely benign (3). Last evaluated 2026-01-08.

Allele frequency attached by ClinVar (database versions not stated): ESP Exome Variant Server 0.00008; gnomAD 0.00011 and 0.00012; TOPMed 0.00011; ExAC 0.00037.

Submissions (3):

Labcorp Genetics (formerly Invitae), Labcorp
Classification: Likely benign. Last evaluated: 2026-01-08. Review status: criteria provided, single submitter. Criteria: Invitae Variant Classification Sherloc (09022015). Collection method: clinical testing. Allele origin: germline.

Blueprint Genetics
Classification: Likely benign. Last evaluated: 2024-10-30. Review status: criteria provided, single submitter. Criteria: ACMG Guidelines, 2015. Collection method: clinical testing. Allele origin: germline.

CeGaT Center for Human Genetics Tuebingen
Classification: Likely benign. Last evaluated: 2024-10-01. Review status: criteria provided, single submitter. Criteria: CeGaT Center For Human Genetics Tuebingen Variant Classification Criteria Version 2. Collection method: clinical testing. Allele origin: germline. Affected: yes. Observed: 1 variant allele.
Comment: TBX6: BP4, BP7